The following is an entry in ClinVar:

NM_003213.4(TEAD4):c.584-4G>T

Gene: TEAD4 (TEA domain transcription factor 4; plus strand). Cytogenetic location: 12p13.33.
Variant type: single nucleotide variant.
Coding change: c.584-4G>T on transcript NM_003213.4 (MANE Select); 4 bases into the intron before coding-DNA position 584, G replaced by T.
Molecular consequence: intron variant.
Genome position (GRCh38, 1-based): chr12:3,020,630, G>T. VCF-style: chr12-3020630-G-T. GRCh37 (hg19) VCF-style: chr12-3129796-G-T.
Other names: c.455-4G>T (NM_201441.3); c.197-4G>T (NM_201443.3).
Identifiers: ClinVar variation 2642576 (VCV002642576.24), dbSNP rs201009033, ClinGen allele CA6393215.

ClinVar aggregate classification (germline): Likely benign (1 of 4 stars; one submission).

Allele frequency attached by ClinVar (database versions not stated): 1000 Genomes Project 30x 0.00078; 1000 Genomes Project 0.00100.
gnomAD v4.1: 205 of 1,540,224 alleles (0.013%); highest among the groups gnomAD compares: East Asian, 0.47%; 1 homozygote.

Submission:

CeGaT Center for Human Genetics Tuebingen
Classification: Likely benign. Last evaluated: 2022-08-01. Review status: criteria provided, single submitter. Criteria: CeGaT Center For Human Genetics Tuebingen Variant Classification Criteria Version 2. Collection method: clinical testing. Allele origin: germline. Affected: yes. Observed: 1 variant allele.
Comment: TEAD4: BP4